The following is an entry in ClinVar:

ClinVar aggregate classification (germline): Uncertain significance (1 of 4 stars; one submission).

Allele frequency attached by ClinVar (database versions not stated): ExAC 0.00003; gnomAD exomes 0.00003; TOPMed 0.00005; gnomAD 0.00007 and 0.00008.
gnomAD v4.1: 85 of 1,607,940 alleles (0.0053%); highest among the groups gnomAD compares: Non-Finnish European, 0.0068%; no homozygotes.

Submission:

Labcorp Genetics (formerly Invitae), Labcorp
Classification: Uncertain significance. Last evaluated: 2022-02-07. Review status: criteria provided, single submitter. Criteria: Invitae Variant Classification Sherloc (09022015). Collection method: clinical testing. Allele origin: germline.
Comment: In summary, the available evidence is currently insufficient to determine the role of this variant in disease. Therefore, it has been classified as a Variant of Uncertain Significance. Algorithms developed to predict the effect of missense changes on protein structure and function are either unavailable or do not agree on the potential impact of this missense change (SIFT: "Deleterious"; PolyPhen-2: "Benign"; Align-GVGD: "Class C0"). This variant has not been reported in the literature in individuals affected with SORL1-related conditions. This variant is present in population databases (rs772060927, gnomAD 0.006%). This sequence change replaces valine, which is neutral and non-polar, with glycine, which is neutral and non-polar, at codon 1233 of the SORL1 protein (p.Val1233Gly).

NM_003105.6(SORL1):c.3698T>G (p.Val1233Gly)

Gene: SORL1 (sortilin related receptor 1; plus strand). Cytogenetic location: 11q24.1.
Variant type: single nucleotide variant.
Coding change: c.3698T>G on transcript NM_003105.6 (MANE Select); coding-DNA position 3698, T replaced by G.
Protein change: p.Val1233Gly; replaces valine 1233 with glycine.
Molecular consequence: missense variant.
Genome position (GRCh38, 1-based): chr11:121,583,575, T>G. VCF-style: chr11-121583575-T-G. GRCh37 (hg19) VCF-style: chr11-121454284-T-G.
Other names: short protein forms V1233G.
Identifiers: ClinVar variation 1420208 (VCV001420208.8), dbSNP rs772060927, ClinGen allele CA6329354.